The following is an entry in ClinVar:

ClinVar aggregate classification (germline): Uncertain significance (1 of 4 stars; one submission).

Allele frequency attached by ClinVar (database versions not stated): gnomAD 0.00001; gnomAD exomes 0.00001 and 0.00003; ExAC 0.00002; TOPMed 0.00002.
gnomAD v4.1: 17 of 1,613,786 alleles (0.0011%); highest among the groups gnomAD compares: Admixed American, 0.0017%; no homozygotes.

Submission:

Labcorp Genetics (formerly Invitae), Labcorp
Classification: Uncertain significance. Last evaluated: 2024-05-12. Review status: criteria provided, single submitter. Criteria: Invitae Variant Classification Sherloc (09022015). Collection method: clinical testing. Allele origin: germline.
Comment: This sequence change replaces valine, which is neutral and non-polar, with phenylalanine, which is neutral and non-polar, at codon 2158 of the ATR protein (p.Val2158Phe). This variant is present in population databases (rs765977826, gnomAD 0.003%). This variant has not been reported in the literature in individuals affected with ATR-related conditions. ClinVar contains an entry for this variant (Variation ID: 959160). An algorithm developed to predict the effect of missense changes on protein structure and function (PolyPhen-2) suggests that this variant¬†is likely to be tolerated. In summary, the available evidence is currently insufficient to determine the role of this variant in disease. Therefore, it has been classified as a Variant of Uncertain Significance.

NM_001184.4(ATR):c.6472G>T (p.Val2158Phe)

Gene: ATR (ATR checkpoint kinase; minus strand). Cytogenetic location: 3q23.
Variant type: single nucleotide variant.
Coding change: c.6472G>T on transcript NM_001184.4 (MANE Select); coding-DNA position 6472, G replaced by T.
Protein change: p.Val2158Phe; replaces valine 2158 with phenylalanine.
Molecular consequence: missense variant.
Genome position (GRCh38, 1-based): chr3:142,469,417, C>A on the plus strand (G>T on the coding strand, the complement: ATR is on the minus strand). VCF-style: chr3-142469417-C-A. GRCh37 (hg19) VCF-style: chr3-142188259-C-A.
Other names: c.6280G>T, p.Val2094Phe (NM_001354579.2); short protein forms V2158F, V2094F.
Identifiers: ClinVar variation 959160 (VCV000959160.7), dbSNP rs765977826, ClinGen allele CA2649331.
Genomic context (GRCh38, chr3:142,469,417, plus strand): 5'-TCCACATTGCTTGTTGAGGATAGGCTAGAAATACTTTGGCTATTATTTCCATCAAGACAA[C>A]AAAAACTTCATCGTGAGAATGACAAATTCGAGAGATCAATTGTGAAAAAGCAGTCAAAAA-3'
Protein context (NP_001175.2, residues 2148-2168): RICHSHDEVF[Val2158Phe]VLMEIIAKVF